The following is an entry in ClinVar:

NM_001267550.2(TTN):c.50707_50710dup (p.Ser16904Ter)

Genes: TTN (titin; minus strand), TTN-AS1 (TTN antisense RNA 1; plus strand). Cytogenetic location: 2q31.2.
Variant type: Duplication.
Coding change: c.50707_50710dup on transcript NM_001267550.2 (MANE Select); coding-DNA positions 50707 to 50710, 4 bases duplicated (AATT; older notation c.50707_50710dupAATT).
Protein change: p.Ser16904Ter; replaces serine 16904 with a stop codon.
Molecular consequence: nonsense.
Genome position (GRCh38, 1-based): chr2:178,611,519-178,611,522, AATT duplicated on the plus strand (AATT on the coding strand, the reverse complement: TTN is on the minus strand); duplicating any 4 consecutive bases within chr2:178,611,519-178,611,524 gives the same sequence; the c. name uses the placement nearest the transcript's 3' end. VCF-style (leftmost placement, unchanged base first): chr2-178611518-G-GAATT. GRCh37 (hg19) VCF-style: chr2-179476245-G-GAATT.
Other names: c.45784_45787dup, p.Ser15263Ter (NM_001256850.1); c.23512_23515dup, p.Ser7839Ter (NM_003319.4); c.43003_43006dup, p.Ser14336Ter (NM_133378.4); c.23887_23890dup, p.Ser7964Ter (NM_133432.3); c.24088_24091dup, p.Ser8031Ter (NM_133437.4); short protein forms S16904*, S14336*, S7964*, S7839*, S8031*, S15263*.
Identifiers: ClinVar variation 4787047 (VCV004787047.1).

ClinVar aggregate classification (germline): Likely pathogenic (1 of 4 stars; one submission).

Conditions:
Autosomal recessive limb-girdle muscular dystrophy type 2J (LGMDR10). Also called: Limb-girdle muscular dystrophy, type 2J; MUSCULAR DYSTROPHY, LIMB-GIRDLE, AUTOSOMAL RECESSIVE 10. Identifiers: Orphanet 140922, MedGen C1837342, MONDO:0012127, OMIM 608807.
Dilated cardiomyopathy 1G (CMD1G). Identifiers: Orphanet 154, MedGen C1858763, MONDO:0011400, OMIM 604145.

Submission:

Labcorp Genetics (formerly Invitae), Labcorp
Classification: Likely pathogenic for Dilated cardiomyopathy 1G; Autosomal recessive limb-girdle muscular dystrophy type 2J. Last evaluated: 2025-12-16. Review status: criteria provided, single submitter. Criteria: Invitae Variant Classification Sherloc (09022015). Collection method: clinical testing. Allele origin: germline.
Comment: This sequence change creates a premature translational stop signal (p.Ser16904*) in the TTN gene. While this is not anticipated to result in nonsense mediated decay, it is expected to create a truncated TTN protein. This variant is not present in population databases (gnomAD no frequency). This variant has not been reported in the literature in individuals affected with TTN-related conditions. Algorithms developed to predict the effect of sequence changes on RNA splicing suggest that this variant may disrupt the consensus splice site. This variant is located in the A band of TTN (PMID: 25589632). Truncating variants in this region are significantly overrepresented in patients affected with dilated cardiomyopathy (PMID: 25589632). Truncating variants in this region have also been reported in individuals affected with autosomal recessive centronuclear myopathy (PMID: 23975875). In summary, the currently available evidence indicates that the variant is pathogenic, but additional data are needed to prove that conclusively. Therefore, this variant has been classified as Likely Pathogenic.

Literature cited by the submitters: PubMed 25589632; PubMed 23975875.